The following is an entry in ClinVar:

ClinVar aggregate classification (germline): Benign/Likely benign. Review status: criteria provided, multiple submitters, no conflicts (2 of 4 stars). 3 submissions from 3 submitters: Benign (1); Likely benign (2). Last evaluated 2024-08-12.

Conditions:
Familial cancer of breast. Also called: BREAST CANCER, FAMILIAL; Hereditary breast cancer; hereditary breast carcinoma. Identifiers: Orphanet 227535, MedGen C0346153, MONDO:0016419, OMIM 114480. Disease mechanism: loss of function.
Hereditary cancer-predisposing syndrome. Also called: Neoplastic Syndromes, Hereditary; Tumor predisposition; Hereditary Cancer Syndrome; Hereditary neoplastic syndrome. Identifiers: Orphanet 140162, MedGen C0027672, MeSH D009386, MONDO:0015356.

Allele frequency attached by ClinVar (database versions not stated): gnomAD exomes below 0.00001.
gnomAD v4.1: 1 of 1,551,074 alleles (0.000064%); highest among the groups gnomAD compares: Non-Finnish European, 0.000087%; no homozygotes.

Submissions (3):

Labcorp Genetics (formerly Invitae), Labcorp
Classification: Likely benign for Familial cancer of breast. Last evaluated: 2024-08-12. Review status: criteria provided, single submitter. Criteria: Invitae Variant Classification Sherloc (09022015). Collection method: clinical testing. Allele origin: germline.

Myriad Genetics, Inc.
Classification: Benign for Familial cancer of breast. Last evaluated: 2024-07-18. Review status: criteria provided, single submitter. Criteria: Myriad Autosomal Dominant, Autosomal Recessive and X-Linked Classification Criteria (2023). Collection method: clinical testing. Allele origin: unknown.
Comment: This variant is considered benign. This variant is a silent/synonymous amino acid change and it is not expected to impact splicing.

Ambry Genetics
Classification: Likely benign for Hereditary cancer-predisposing syndrome. Last evaluated: 2017-04-14. Review status: criteria provided, single submitter. Criteria: Ambry Variant Classification Scheme 2023. Collection method: clinical testing. Allele origin: germline.

NM_000465.4(BARD1):c.6G>A (p.Pro2=)

Gene: BARD1 (BRCA1 associated RING domain 1; minus strand). Cytogenetic location: 2q35.
Variant type: single nucleotide variant.
Coding change: c.6G>A on transcript NM_000465.4 (MANE Select); coding-DNA position 6, G replaced by A.
Protein change: p.Pro2=; no amino-acid change (proline 2 retained).
Molecular consequence: synonymous variant. On other transcripts: non-coding transcript variant (3).
Genome position (GRCh38, 1-based): chr2:214,809,564, C>T on the plus strand (G>A on the coding strand, the complement: BARD1 is on the minus strand). VCF-style: chr2-214809564-C-T. GRCh37 (hg19) VCF-style: chr2-215674288-C-T.
Other names: c.6G>A, p.Pro2= (NM_001282543.2, NM_001282545.2, NM_001282548.2 and 1 more transcripts).
Identifiers: ClinVar variation 482823 (VCV000482823.15), dbSNP rs876660278, ClinGen allele CA431148905.